The following is an entry in ClinVar:

NM_003872.3(NRP2):c.94T>C (p.Leu32=)

Gene: NRP2 (neuropilin 2; plus strand). Cytogenetic location: 2q33.3.
Variant type: single nucleotide variant.
Coding change: c.94T>C on transcript NM_003872.3 (MANE Select); coding-DNA position 94, T replaced by C.
Protein change: p.Leu32=; no amino-acid change (leucine 32 retained).
Molecular consequence: synonymous variant.
Genome position (GRCh38, 1-based): chr2:205,697,564, T>C. VCF-style: chr2-205697564-T-C. GRCh37 (hg19) VCF-style: chr2-206562288-T-C.
Other names: c.94T>C, p.Leu32= (NM_018534.4, NM_201264.2, NM_201266.2 and 2 more transcripts).
Identifiers: ClinVar variation 3357259 (VCV003357259.1).
Genomic context (GRCh38, chr2:205,697,564, plus strand): 5'-ACATATTTGAAGTTCTTTGGGTCGTTGATTTCTCTTTCAGACCCACCGTGCGGAGGTCGT[T>C]TGAATTCCAAAGATGCTGGCTATATCACCTCTCCCGGTTACCCCCAGGACTACCCCTCCC-3'
Protein context (NP_003863.2, residues 22-42): GQPDPPCGGR[Leu32=]NSKDAGYITS

ClinVar aggregate classification (germline): Likely benign (0 of 4 stars; one submission).

Conditions:
NRP2-related disorder. Also called: NRP2-related condition.

gnomAD v4.1: 7 of 1,613,986 alleles (0.00043%); highest among the groups gnomAD compares: Admixed American, 0.0083%; no homozygotes.

Submission:

PreventionGenetics, part of Exact Sciences
Classification: Likely benign for NRP2-related condition. Last evaluated: 2024-03-06. Review status: no assertion criteria provided. Collection method: clinical testing. Allele origin: germline.
Comment: This variant is classified as likely benign based on ACMG/AMP sequence variant interpretation guidelines (Richards et al. 2015 PMID: 25741868, with internal and published modifications).